The following is an entry in ClinVar:

NM_020821.3(VPS13C):c.1656A>G (p.Ile552Met)

Gene: VPS13C (vacuolar protein sorting 13 homolog C; minus strand). Cytogenetic location: 15q22.2.
Variant type: single nucleotide variant.
Coding change: c.1656A>G on transcript NM_020821.3 (MANE Select); coding-DNA position 1656, A replaced by G.
Protein change: p.Ile552Met; replaces isoleucine 552 with methionine.
Molecular consequence: missense variant.
Genome position (GRCh38, 1-based): chr15:61,984,922, T>C on the plus strand (A>G on the coding strand, the complement: VPS13C is on the minus strand). VCF-style: chr15-61984922-T-C. GRCh37 (hg19) VCF-style: chr15-62277121-T-C.
Other names: c.1656A>G, p.Ile552Met (NM_001018088.3); c.1527A>G, p.Ile509Met (NM_017684.5, NM_018080.4); short protein forms I509M, I552M.
Identifiers: ClinVar variation 2000336 (VCV002000336.4), dbSNP rs752862618, ClinGen allele CA392683693.
Genomic context (GRCh38, chr15:61,984,922, plus strand): 5'-TGCTTGTGCTCCTGGTCGCTGAGATACTTGAGTGCCCAGGCCAATTATCTGAATTTTTAG[T>C]ATTTCTGGAATATTCTTGTTTTCTCTTATCGTAACAGAGGTGCTTACTAACTTCAGGGTC-3'
Protein context (NP_065872.1, residues 542-562): TIRENKNIPE[Ile552Met]LKIQIIGLGT

ClinVar aggregate classification (germline): Uncertain significance (1 of 4 stars; one submission).

Submission:

Labcorp Genetics (formerly Invitae), Labcorp
Classification: Uncertain significance. Last evaluated: 2022-05-29. Review status: criteria provided, single submitter. Criteria: Invitae Variant Classification Sherloc (09022015). Collection method: clinical testing. Allele origin: germline.
Comment: This variant has not been reported in the literature in individuals affected with VPS13C-related conditions. This variant is not present in population databases (gnomAD no frequency). This sequence change replaces isoleucine, which is neutral and non-polar, with methionine, which is neutral and non-polar, at codon 552 of the VPS13C protein (p.Ile552Met). Algorithms developed to predict the effect of missense changes on protein structure and function are either unavailable or do not agree on the potential impact of this missense change (SIFT: "Tolerated"; PolyPhen-2: "Possibly Damaging"; Align-GVGD: "Class C0"). In summary, the available evidence is currently insufficient to determine the role of this variant in disease. Therefore, it has been classified as a Variant of Uncertain Significance.